The following is an entry in ClinVar:

ClinVar aggregate classification (germline): Uncertain significance (1 of 4 stars; one submission).

Conditions:
Charcot-Marie-Tooth disease type 4. Also called: Charcot-Marie-Tooth disease, type IV; Charcot-Marie-Tooth, Type 4. Identifiers: Orphanet 64749, MedGen C4082197, MONDO:0018995.

Allele frequency attached by ClinVar (database versions not stated): gnomAD exomes 0.00001; TOPMed 0.00001; gnomAD 0.00003.
gnomAD v4.1: 7 of 1,613,798 alleles (0.00043%); highest among the groups gnomAD compares: Non-Finnish European, 0.00059%; no homozygotes.

Submissions (2):

Labcorp Genetics (formerly Invitae), Labcorp
Classification: Uncertain significance for Charcot-Marie-Tooth disease type 4. Last evaluated: 2022-03-18. Review status: criteria provided, single submitter. Criteria: Invitae Variant Classification Sherloc (09022015). Collection method: clinical testing. Allele origin: germline.
Comment: This sequence change replaces glutamic acid, which is acidic and polar, with valine, which is neutral and non-polar, at codon 450 of the MTMR2 protein (p.Glu450Val). This variant is present in population databases (no rsID available, gnomAD 0.0009%). This variant has not been reported in the literature in individuals affected with MTMR2-related conditions. Advanced modeling of protein sequence and biophysical properties (such as structural, functional, and spatial information, amino acid conservation, physicochemical variation, residue mobility, and thermodynamic stability) performed at Invitae indicates that this missense variant is expected to disrupt MTMR2 protein function. In summary, the available evidence is currently insufficient to determine the role of this variant in disease. Therefore, it has been classified as a Variant of Uncertain Significance.

Dr. Peter K. Rogan Lab, Western University
No classification provided (evidence only). Condition: Ovarian serous cystadenocarcinoma. Review status: no classification provided. Collection method: in vitro. Allele origin: not applicable. Functional consequence: retained intron. Not counted in ClinVar's aggregate classification.

NM_016156.6(MTMR2):c.1349A>T (p.Glu450Val)

Gene: MTMR2 (myotubularin related protein 2; minus strand). Cytogenetic location: 11q21.
Variant type: single nucleotide variant.
Coding change: c.1349A>T on transcript NM_016156.6 (MANE Select); coding-DNA position 1349, A replaced by T.
Protein change: p.Glu450Val; replaces glutamic acid 450 with valine.
Molecular consequence: missense variant.
Genome position (GRCh38, 1-based): chr11:95,844,990, T>A on the plus strand (A>T on the coding strand, the complement: MTMR2 is on the minus strand). VCF-style: chr11-95844990-T-A. GRCh37 (hg19) VCF-style: chr11-95578154-T-A.
Other names: c.1133A>T, p.Glu378Val (NM_001243571.2, NM_201278.3, NM_201281.3); short protein forms E450V, E378V.
Identifiers: ClinVar variation 1929380 (VCV001929380.3), dbSNP rs1263941266, ClinGen allele CA382420494.
Genomic context (GRCh38, chr11:95,844,990, plus strand): 5'-CAAAGTCAAGGTTCCTTACTTACTAGTTGAAATCGATGTCCAAAACTTAGCCATTCTTTC[T>A]CCACAAGGACTTCAAATCCTCGGATGGTTCGATAGTATCCATCCAACATGAGCATGGCAA-3'
Protein context (NP_057240.3, residues 440-460): RTIRGFEVLV[Glu450Val]KEWLSFGHRF